The following is an entry in ClinVar:

ClinVar aggregate classification (germline): Uncertain significance. Review status: criteria provided, multiple submitters, no conflicts (2 of 4 stars). 2 submissions from 2 submitters: Uncertain significance (2). Last evaluated 2024-02-28.

Conditions:
Glycogen storage disease, type V (GSD5). Also called: MCARDLE DISEASE; MUSCLE GLYCOGEN PHOSPHORYLASE DEFICIENCY; MYOPHOSPHORYLASE DEFICIENCY; PYGM DEFICIENCY; McArdle type glycogen storage disease. Identifiers: Orphanet 368, MedGen C0017924, MONDO:0009293, OMIM 232600.

Allele frequency attached by ClinVar (database versions not stated): TOPMed 0.00002; gnomAD 0.00004.
gnomAD v4.1: 6 of 1,614,066 alleles (0.00037%); highest among the groups gnomAD compares: African/African-American, 0.008%; no homozygotes.

Submissions (2):

Fulgent Genetics
Classification: Uncertain significance for Glycogen storage disease, type V. Last evaluated: 2024-02-28. Review status: criteria provided, single submitter. Criteria: ACMG Guidelines, 2015. Collection method: clinical testing. Allele origin: germline.

Labcorp Genetics (formerly Invitae), Labcorp
Classification: Uncertain significance for Glycogen storage disease, type V. Last evaluated: 2022-07-30. Review status: criteria provided, single submitter. Criteria: Invitae Variant Classification Sherloc (09022015). Collection method: clinical testing. Allele origin: germline.
Comment: This sequence change replaces proline, which is neutral and non-polar, with leucine, which is neutral and non-polar, at codon 756 of the PYGM protein (p.Pro756Leu). This variant is present in population databases (no rsID available, gnomAD 0.02%). This variant has not been reported in the literature in individuals affected with PYGM-related conditions. Algorithms developed to predict the effect of missense changes on protein structure and function are either unavailable or do not agree on the potential impact of this missense change (SIFT: "Not Available"; PolyPhen-2: "Probably Damaging"; Align-GVGD: "Not Available"). In summary, the available evidence is currently insufficient to determine the role of this variant in disease. Therefore, it has been classified as a Variant of Uncertain Significance.

NM_005609.4(PYGM):c.2267C>T (p.Pro756Leu)

Gene: PYGM (glycogen phosphorylase, muscle associated; minus strand). Cytogenetic location: 11q13.1.
Variant type: single nucleotide variant.
Coding change: c.2267C>T on transcript NM_005609.4 (MANE Select); coding-DNA position 2267, C replaced by T.
Protein change: p.Pro756Leu; replaces proline 756 with leucine.
Molecular consequence: missense variant.
Genome position (GRCh38, 1-based): chr11:64,747,269, G>A on the plus strand (C>T on the coding strand, the complement: PYGM is on the minus strand). VCF-style: chr11-64747269-G-A. GRCh37 (hg19) VCF-style: chr11-64514741-G-A.
Other names: c.2003C>T, p.Pro668Leu (NM_001164716.1); short protein forms P668L, P756L.
Identifiers: ClinVar variation 2201289 (VCV002201289.2), dbSNP rs777736319, ClinGen allele CA381165244.
Genomic context (GRCh38, chr11:64,747,269, plus strand): 5'-GGCCAACCAGCTCACCGGTCATGGTGCATGAGCATATTGACAATGTCCTTGAACAGGTCG[G>A]GCTGTTTGGGGGAGAAGAAGCCACTGCTCAGCTGCTCAATGACCTGCCGAAGCTCAGGAA-3'
Protein context (NP_005600.1, residues 746-766): LSSGFFSPKQ[Pro756Leu]DLFKDIVNML